The following is an entry in ClinVar:

ClinVar aggregate classification (germline): Likely benign. Review status: criteria provided, multiple submitters, no conflicts (2 of 4 stars). 3 submissions from 3 submitters: Likely benign (3). Last evaluated 2025-06-24.

Conditions:
Hereditary breast ovarian cancer syndrome. Also called: Hereditary breast and ovarian cancer syndrome (HBOC); BRCA1- and BRCA2-Associated Hereditary Breast and Ovarian Cancer; Breast and ovarian cancer; Hereditary breast and ovarian cancer syndrome; Hereditary breast and/or ovarian cancer syndrome; Hereditary breast and ovarian cancer. Identifiers: Orphanet 145, MedGen C0677776, MeSH D061325, MONDO:0003582. Disease mechanism: loss of function.
Breast-ovarian cancer, familial, susceptibility to, 2 (BROVCA2). Also called: BRCA2 Hereditary Breast and Ovarian Cancer. Identifiers: Orphanet 145, MedGen C2675520, MONDO:0012933, OMIM 612555. Disease mechanism: loss of function.
Hereditary cancer-predisposing syndrome. Also called: Hereditary Cancer Syndrome; Tumor predisposition; Hereditary neoplastic syndrome; Neoplastic Syndromes, Hereditary. Identifiers: Orphanet 140162, MedGen C0027672, MeSH D009386, MONDO:0015356.

Submissions (3):

Ambry Genetics
Classification: Likely benign for Hereditary cancer-predisposing syndrome. Last evaluated: 2025-06-24. Review status: criteria provided, single submitter. Criteria: Ambry Variant Classification Scheme 2023. Collection method: clinical testing. Allele origin: germline.

All of Us Research Program, National Institutes of Health
Classification: Likely benign for Breast-ovarian cancer, familial, susceptibility to, 2. Last evaluated: 2023-08-23. Review status: criteria provided, single submitter. Criteria: ACMG Guidelines, 2015. Collection method: clinical testing. Allele origin: germline. Inheritance: Autosomal dominant inheritance. Observed: 1 variant allele, 1 heterozygote.
Comment: This study involves interpretation of variants in research participants for the purpose of population health screening. Participant phenotype was not available at the time of variant classification. Additional details can be found in publication PMID: 35346344, PMCID: PMC8962531

Labcorp Genetics (formerly Invitae), Labcorp
Classification: Likely benign for Hereditary breast ovarian cancer syndrome. Last evaluated: 2022-06-08. Review status: criteria provided, single submitter. Criteria: Invitae Variant Classification Sherloc (09022015). Collection method: clinical testing. Allele origin: germline.

NM_000059.4(BRCA2):c.9435G>A (p.Val3145=)

Gene: BRCA2 (BRCA2 DNA repair associated; plus strand). Cytogenetic location: 13q13.1.
Variant type: single nucleotide variant.
Coding change: c.9435G>A on transcript NM_000059.4 (MANE Select); coding-DNA position 9435, G replaced by A.
Protein change: p.Val3145=; no amino-acid change (valine 3145 retained).
Molecular consequence: synonymous variant. On other transcripts: non-coding transcript variant (1).
Genome position (GRCh38, 1-based): chr13:32,394,867, G>A. VCF-style: chr13-32394867-G-A. GRCh37 (hg19) VCF-style: chr13-32969004-G-A.
Other names: c.9339G>A, p.Val3113= (NM_001406719.1); c.9384G>A, p.Val3128= (NM_001406720.1); c.4503G>A, p.Val1501= (NM_001406721.1); c.3018G>A, p.Val1006= (NM_001406722.1).
Identifiers: ClinVar variation 2003208 (VCV002003208.6), dbSNP rs2548562420, ClinGen allele CA483271280.
Genomic context (GRCh38, chr13:32,394,867, plus strand): 5'-CCAGTGGCGACCAGAATCCAAATCAGGCCTTCTTACTTTATTTGCTGGAGATTTTTCTGT[G>A]TTTTCTGCTAGTCCAAAAGAGGGCCACTTTCAAGAGACATTCAACAAAATGAAAAATACT-3'
Protein context (NP_000050.3, residues 3135-3155): LLTLFAGDFS[Val3145=]FSASPKEGHF